The following is an entry in ClinVar:

NM_005228.5(EGFR):c.1463C>G (p.Thr488Ser)

Gene: EGFR (epidermal growth factor receptor; plus strand). Cytogenetic location: 7p11.2.
Variant type: single nucleotide variant.
Coding change: c.1463C>G on transcript NM_005228.5 (MANE Select); coding-DNA position 1463, C replaced by G.
Protein change: p.Thr488Ser; replaces threonine 488 with serine.
Molecular consequence: missense variant.
Genome position (GRCh38, 1-based): chr7:55,160,303, C>G. VCF-style: chr7-55160303-C-G. GRCh37 (hg19) VCF-style: chr7-55227996-C-G.
Other names: c.1463C>G (NM_005228.3); c.1328C>G, p.Thr443Ser (NM_001346897.2, NM_001346899.2); c.1463C>G, p.Thr488Ser (NM_001346898.2, NM_201282.2, NM_201284.2); c.1304C>G, p.Thr435Ser (NM_001346900.2); c.662C>G, p.Thr221Ser (NM_001346941.2); short protein forms T221S, T435S, T443S, T488S.
Identifiers: ClinVar variation 1003132 (VCV001003132.7), dbSNP rs1271375100, ClinGen allele CA367579665.

ClinVar aggregate classification (germline): Uncertain significance. Review status: criteria provided, multiple submitters, no conflicts (2 of 4 stars). 2 submissions from 2 submitters: Uncertain significance (2). Last evaluated 2025-02-03.

Conditions:
Hereditary cancer-predisposing syndrome. Also called: Hereditary neoplastic syndrome; Neoplastic Syndromes, Hereditary; Tumor predisposition; Hereditary Cancer Syndrome. Identifiers: Orphanet 140162, MedGen C0027672, MeSH D009386, MONDO:0015356.
EGFR-related lung cancer (EGFR). Identifiers: MedGen CN130014.

Allele frequency attached by ClinVar (database versions not stated): gnomAD exomes below 0.00001 and 0.00001; gnomAD 0.00001.
gnomAD v4.1: 21 of 1,613,658 alleles (0.0013%); highest among the groups gnomAD compares: Non-Finnish European, 0.0018%; no homozygotes.

Submissions (2):

Ambry Genetics
Classification: Uncertain significance for Hereditary cancer-predisposing syndrome. Last evaluated: 2025-02-03. Review status: criteria provided, single submitter. Criteria: Ambry Variant Classification Scheme 2023. Collection method: clinical testing. Allele origin: germline.
Comment: The p.T488S variant (also known as c.1463C>G), located in coding exon 12 of the EGFR gene, results from a C to G substitution at nucleotide position 1463. The threonine at codon 488 is replaced by serine, an amino acid with similar properties. This amino acid position is conserved. In addition, this alteration is predicted to be tolerated by in silico analysis. Based on the available evidence, the clinical significance of this variant remains unclear.

Labcorp Genetics (formerly Invitae), Labcorp
Classification: Uncertain significance for EGFR-related lung cancer. Last evaluated: 2024-02-19. Review status: criteria provided, single submitter. Criteria: Invitae Variant Classification Sherloc (09022015). Collection method: clinical testing. Allele origin: germline.
Comment: This sequence change replaces threonine, which is neutral and polar, with serine, which is neutral and polar, at codon 488 of the EGFR protein (p.Thr488Ser). This variant is present in population databases (no rsID available, gnomAD 0.0009%). This variant has not been reported in the literature in individuals affected with EGFR-related conditions. ClinVar contains an entry for this variant (Variation ID: 1003132). Advanced modeling of protein sequence and biophysical properties (such as structural, functional, and spatial information, amino acid conservation, physicochemical variation, residue mobility, and thermodynamic stability) performed at Invitae indicates that this missense variant is not expected to disrupt EGFR protein function with a negative predictive value of 80%. In summary, the available evidence is currently insufficient to determine the role of this variant in disease. Therefore, it has been classified as a Variant of Uncertain Significance.